The following is an entry in ClinVar:

ClinVar aggregate classification (germline): Pathogenic (1 of 4 stars; one submission).

Submission:

Labcorp Genetics (formerly Invitae), Labcorp
Classification: Pathogenic. Last evaluated: 2024-02-24. Review status: criteria provided, single submitter. Criteria: Invitae Variant Classification Sherloc (09022015). Collection method: clinical testing. Allele origin: germline.
Comment: This sequence change creates a premature translational stop signal (p.Cys575*) in the RASGRP1 gene. It is expected to result in an absent or disrupted protein product. Loss-of-function variants in RASGRP1 are known to be pathogenic (PMID: 11017103, 27776107, 28822832). This variant is not present in population databases (gnomAD no frequency). This variant has not been reported in the literature in individuals affected with RASGRP1-related conditions. ClinVar contains an entry for this variant (Variation ID: 1071497). For these reasons, this variant has been classified as Pathogenic.

Literature cited by the submitters: PubMed 11017103; PubMed 27776107; PubMed 28822832.

NM_005739.4(RASGRP1):c.1725C>A (p.Cys575Ter)

Gene: RASGRP1 (RAS guanyl releasing protein 1; minus strand). Cytogenetic location: 15q14.
Variant type: single nucleotide variant.
Coding change: c.1725C>A on transcript NM_005739.4 (MANE Select); coding-DNA position 1725, C replaced by A.
Protein change: p.Cys575Ter; replaces cysteine 575 with a stop codon.
Molecular consequence: nonsense.
Genome position (GRCh38, 1-based): chr15:38,498,942, G>T on the plus strand (C>A on the coding strand, the complement: RASGRP1 is on the minus strand). VCF-style: chr15-38498942-G-T. GRCh37 (hg19) VCF-style: chr15-38791143-G-T.
Other names: c.1620C>A, p.Cys540Ter (NM_001128602.2, NM_001306086.2); short protein forms C540*, C575*.
Identifiers: ClinVar variation 1071497 (VCV001071497.7), dbSNP rs374227836, ClinGen allele CA391663042.